The following is an entry in ClinVar:

ClinVar aggregate classification (germline): Uncertain significance. Review status: criteria provided, single submitter (1 of 4 stars). 2 submissions from 2 submitters: Uncertain significance (1). 1 of the submissions does not count toward it. Last evaluated 2022-03-01.

Conditions:
X-linked Alport syndrome (ATS1). Also called: NEPHROPATHY AND DEAFNESS, X-LINKED; COL4A5-Related Nephropathy. Identifiers: Orphanet 63, Orphanet 88917, MedGen C4746986, MONDO:0010520, OMIM 301050.

Submissions (2):

GeneDx
Classification: Uncertain significance. Last evaluated: 2022-03-01. Review status: criteria provided, single submitter. Criteria: GeneDx Variant Classification Process June 2021. Collection method: clinical testing. Allele origin: germline. Affected: yes.
Comment: Not observed at significant frequency in large population cohorts (gnomAD); In silico analysis supports that this missense variant has a deleterious effect on protein structure/function; Occurs in the triple helical domain at the Y position in the canonical Gly-X-Y repeat; although this variant may have an effect on normal protein folding and function, missense substitution at the Y position is not a common mechanism of disease; Has not been previously published as pathogenic or benign to our knowledge

Natera, Inc.
Classification: Uncertain significance for X-linked Alport syndrome. Last evaluated: 2025-04-03. Review status: no assertion criteria provided. Collection method: clinical testing. Allele origin: germline. Not counted in ClinVar's aggregate classification.

NM_033380.3(COL4A5):c.364C>G (p.Pro122Ala)

Gene: COL4A5 (collagen type IV alpha 5 chain; plus strand). Cytogenetic location: Xq22.3.
Variant type: single nucleotide variant.
Coding change: c.364C>G on transcript NM_033380.3 (MANE Select); coding-DNA position 364, C replaced by G.
Protein change: p.Pro122Ala; replaces proline 122 with alanine.
Molecular consequence: missense variant.
Genome position (GRCh38, 1-based): chrX:108,568,801, C>G. VCF-style: chrX-108568801-C-G. GRCh37 (hg19) VCF-style: chrX-107812031-C-G.
Other names: c.364C>G, p.Pro122Ala (NM_000495.5); c.364C>G (NM_000495.4); short protein forms P122A.
Identifiers: ClinVar variation 1703963 (VCV001703963.3), dbSNP rs2524197031, ClinGen allele CA413918415.